The following is an entry in ClinVar:

ClinVar aggregate classification (germline): Pathogenic/Likely pathogenic. Review status: criteria provided, multiple submitters, no conflicts (2 of 4 stars). 2 submissions from 2 submitters: Pathogenic (1); Likely pathogenic (1). Last evaluated 2026-07-09.

Conditions:
BEST1-related disorder. Also called: BEST1-related condition; BEST1-related disorders. Identifiers: MedGen CN239200.

Allele frequency attached by ClinVar (database versions not stated): gnomAD exomes below 0.00001; gnomAD 0.00001; TOPMed 0.00002.

Submissions (2):

PreventionGenetics, part of Exact Sciences
Classification: Likely pathogenic for BEST1-related condition. Last evaluated: 2026-07-09. Review status: criteria provided, single submitter. Criteria: ACMG Guidelines, 2015. Collection method: clinical testing. Allele origin: germline.
Comment: The BEST1 c.1175delG variant is predicted to result in a frameshift and premature protein termination (p.Arg392Profs*3). To our knowledge, this variant has not been reported in the literature. This variant is absent in a large population database (gnomAD), indicating this variant is rare. Frameshift variants in BEST1 are an established mechanism of autosomal recessive disease. This variant is interpreted as likely pathogenic.

Labcorp Genetics (formerly Invitae), Labcorp
Classification: Pathogenic. Last evaluated: 2025-08-20. Review status: criteria provided, single submitter. Criteria: Invitae Variant Classification Sherloc (09022015). Collection method: clinical testing. Allele origin: germline.
Comment: This sequence change creates a premature translational stop signal (p.Arg392Profs*3) in the BEST1 gene. It is expected to result in an absent or disrupted protein product. Loss-of-function variants in BEST1 are known to be pathogenic (PMID: 21825197). This variant is not present in population databases (gnomAD no frequency). This variant has not been reported in the literature in individuals affected with BEST1-related conditions. ClinVar contains an entry for this variant (Variation ID: 851696). For these reasons, this variant has been classified as Pathogenic.

Literature cited by the submitters: PubMed 21825197 (cited by Labcorp Genetics (formerly Invitae), Labcorp).

NM_004183.4(BEST1):c.1175del (p.Arg392fs)

Gene: BEST1 (bestrophin 1; plus strand). Cytogenetic location: 11q12.3.
Variant type: Deletion.
Coding change: c.1175del on transcript NM_004183.4 (MANE Select); coding-DNA position 1175, one base deleted (G; older notation c.1175delG).
Protein change: p.Arg392fs; shifts the reading frame from arginine 392.
Molecular consequence: frameshift variant. On other transcripts: non-coding transcript variant (1).
Genome position (GRCh38, 1-based): chr11:61,962,329, G deleted. VCF-style (leftmost placement, unchanged base first): chr11-61962328-CG-C. GRCh37 (hg19) VCF-style: chr11-61729800-CG-C.
Other names: c.995delG, p.Arg332Profs (NM_001139443.3); c.914del, p.Arg305fs (NM_001300786.2); c.995del, p.Arg332fs (NM_001300787.2); c.857delG, p.Arg286Profs (NM_001363591.3); c.*70delG (NM_001363592.2); c.203delG, p.Arg68Profs (NM_001363593.3); c.1175delG (NM_004183.3); short protein forms R68fs, R286fs, R392fs, R305fs, R332fs.
Identifiers: ClinVar variation 851696 (VCV000851696.9), dbSNP rs1490119932, ClinGen allele CA678996144.
Genomic context (GRCh38, chr11:61,962,328, plus strand): 5'-GAGATGGAGTTCCAGCCCAATCAGGAGGACGAGGAGGATGCTCACGCTGGCATCATTGGC[CG>C]CTTCCTAGGCCTGCAGTCCCATGATCACCATCCTCCCAGGGCAAACTCAAGGACCAAACT-3'